The following is an entry in ClinVar:

NM_019066.5(MAGEL2):c.2702A>G (p.His901Arg)

Gene: MAGEL2 (MAGE family member L2; minus strand). Cytogenetic location: 15q11.2.
Variant type: single nucleotide variant.
Coding change: c.2702A>G on transcript NM_019066.5 (MANE Select); coding-DNA position 2702, A replaced by G.
Protein change: p.His901Arg; replaces histidine 901 with arginine.
Molecular consequence: missense variant.
Genome position (GRCh38, 1-based): chr15:23,645,041, T>C on the plus strand (A>G on the coding strand, the complement: MAGEL2 is on the minus strand). VCF-style: chr15-23645041-T-C. GRCh37 (hg19) VCF-style: chr15-23890188-T-C.
Other names: short protein forms H901R.
Identifiers: ClinVar variation 2855674 (VCV002855674.3), dbSNP rs1890363600, ClinGen allele CA391330477.

ClinVar aggregate classification (germline): Uncertain significance (1 of 4 stars; one submission).

Allele frequency attached by ClinVar (database versions not stated): gnomAD exomes below 0.00001.
gnomAD v4.1: 2 of 1,613,966 alleles (0.00012%); highest among the groups gnomAD compares: African/African-American, 0.0013%; no homozygotes.

Submission:

Labcorp Genetics (formerly Invitae), Labcorp
Classification: Uncertain significance. Last evaluated: 2023-04-12. Review status: criteria provided, single submitter. Criteria: Invitae Variant Classification Sherloc (09022015). Collection method: clinical testing. Allele origin: germline.
Comment: In summary, the available evidence is currently insufficient to determine the role of this variant in disease. Therefore, it has been classified as a Variant of Uncertain Significance. Advanced modeling of protein sequence and biophysical properties (such as structural, functional, and spatial information, amino acid conservation, physicochemical variation, residue mobility, and thermodynamic stability) performed at Invitae indicates that this missense variant is not expected to disrupt MAGEL2 protein function. This variant has not been reported in the literature in individuals affected with MAGEL2-related conditions. This variant is not present in population databases (gnomAD no frequency). This sequence change replaces histidine, which is basic and polar, with arginine, which is basic and polar, at codon 901 of the MAGEL2 protein (p.His901Arg).